The following is an entry in ClinVar:

NM_000037.4(ANK1):c.5177C>T (p.Thr1726Met)

Gene: ANK1 (ankyrin 1; minus strand). Cytogenetic location: 8p11.21.
Variant type: single nucleotide variant.
Coding change: c.5177C>T on transcript NM_000037.4 (MANE Select); coding-DNA position 5177, C replaced by T.
Protein change: p.Thr1726Met; replaces threonine 1726 with methionine.
Molecular consequence: missense variant.
Genome position (GRCh38, 1-based): chr8:41,668,484, G>A on the plus strand (C>T on the coding strand, the complement: ANK1 is on the minus strand). VCF-style: chr8-41668484-G-A. GRCh37 (hg19) VCF-style: chr8-41526002-G-A.
Other names: c.5300C>T, p.Thr1767Met (NM_001142446.2); c.5177C>T, p.Thr1726Met (NM_020475.3, NM_020476.3); c.4691C>T, p.Thr1564Met (NM_020477.3); short protein forms T1564M, T1767M, T1726M.
Identifiers: ClinVar variation 909743 (VCV000909743.6), dbSNP rs200662932, ClinGen allele CA4727355.

ClinVar aggregate classification (germline): Uncertain significance. Review status: criteria provided, multiple submitters, no conflicts (2 of 4 stars). 4 submissions from 3 submitters: Uncertain significance (4). Last evaluated 2025-07-03.

Conditions:
Inborn genetic diseases. Identifiers: MedGen C0950123, MeSH D030342.
Spherocytosis. Identifiers: MedGen C0553720, HP:0004444.
Hereditary spherocytosis type 1. Also called: Spherocytosis type 1; ANK1-Related Spherocytosis. Identifiers: Orphanet 822, MedGen C2674218, MONDO:0008447, OMIM 182900.

Allele frequency attached by ClinVar (database versions not stated): gnomAD 0.00001; ExAC 0.00002; TOPMed 0.00002; 1000 Genomes Project 30x 0.00016; 1000 Genomes Project 0.00020.
gnomAD v4.1: 20 of 1,614,162 alleles (0.0012%); highest among the groups gnomAD compares: African/African-American, 0.004%; no homozygotes.

Submissions (4):

Ambry Genetics
Classification: Uncertain significance for Inborn genetic diseases. Last evaluated: 2025-07-03. Review status: criteria provided, single submitter. Criteria: Ambry Variant Classification Scheme 2023. Collection method: clinical testing. Allele origin: germline.

Labcorp Genetics (formerly Invitae), Labcorp
Classification: Uncertain significance. Last evaluated: 2025-06-20. Review status: criteria provided, single submitter. Criteria: Invitae Variant Classification Sherloc (09022015). Collection method: clinical testing. Allele origin: germline.
Comment: This sequence change replaces threonine, which is neutral and polar, with methionine, which is neutral and non-polar, at codon 1726 of the ANK1 protein (p.Thr1726Met). This variant is present in population databases (rs200662932, gnomAD 0.01%). This variant has not been reported in the literature in individuals affected with ANK1-related conditions. ClinVar contains an entry for this variant (Variation ID: 909743). Invitae Evidence Modeling of protein sequence and biophysical properties (such as structural, functional, and spatial information, amino acid conservation, physicochemical variation, residue mobility, and thermodynamic stability) has been performed for this missense variant. However, the output from this modeling did not meet the statistical confidence thresholds required to predict the impact of this variant on ANK1 protein function. In summary, the available evidence is currently insufficient to determine the role of this variant in disease. Therefore, it has been classified as a Variant of Uncertain Significance.

Illumina Laboratory Services, Illumina
Classification: Uncertain significance for Hereditary spherocytosis type 1. Last evaluated: 2018-01-13. Review status: criteria provided, single submitter. Criteria: ICSL Variant Classification Criteria 13 December 2019. Collection method: clinical testing. Allele origin: germline.

Illumina Laboratory Services, Illumina
Classification: Uncertain significance for Spherocytosis. Last evaluated: 2018-01-13. Review status: criteria provided, single submitter. Criteria: ICSL Variant Classification Criteria 13 December 2019. Collection method: clinical testing. Allele origin: germline.